The following is an entry in ClinVar:

NM_000092.5(COL4A4):c.2285C>T (p.Pro762Leu)

Gene: COL4A4 (collagen type IV alpha 4 chain; minus strand). Cytogenetic location: 2q36.3.
Variant type: single nucleotide variant.
Coding change: c.2285C>T on transcript NM_000092.5 (MANE Select); coding-DNA position 2285, C replaced by T.
Protein change: p.Pro762Leu; replaces proline 762 with leucine.
Molecular consequence: missense variant.
Genome position (GRCh38, 1-based): chr2:227,059,503, G>A on the plus strand (C>T on the coding strand, the complement: COL4A4 is on the minus strand). VCF-style: chr2-227059503-G-A. GRCh37 (hg19) VCF-style: chr2-227924219-G-A.
Other names: short protein forms P762L.
Identifiers: ClinVar variation 2443095 (VCV002443095.3), dbSNP rs1976345442, ClinGen allele CA350841995.

ClinVar aggregate classification (germline): Uncertain significance. Review status: no assertion criteria provided (0 of 4 stars). 2 submissions from 2 submitters: Uncertain significance (2). Last evaluated 2025-05-08.

Conditions:
Alport syndrome. Also called: Hemorrhagic familial nephritis; Hemorrhagic hereditary nephritis; Congenital hereditary hematuria. Identifiers: Orphanet 63, MedGen C1567741, MONDO:0018965.

Submissions (2):

Natera, Inc.
Classification: Uncertain significance for Alport syndrome. Last evaluated: 2025-05-08. Review status: no assertion criteria provided. Collection method: clinical testing. Allele origin: germline.

Genetic Services Laboratory, University of Chicago
Classification: Uncertain significance. Last evaluated: 2022-08-23. Review status: no assertion criteria provided. Collection method: clinical testing. Allele origin: germline. Affected: no.
Comment: DNA sequence analysis of the COL4A4 gene demonstrated a sequence change, c.2285C>T, in exon 28 that results in an amino acid change, p.Pro762Leu. This sequence change does not appear to have been previously described in individuals with COL4A4-related disorders and has also not been described in population databases such as ExAC and gnomAD. The p.Pro762Leu change affects a poorly conserved amino acid residue located in a domain of the COL4A4 protein that is not known to be functional. The p.Pro762Leu substitution appears to be benign using several in-silico pathogenicity prediction tools (SIFT, PolyPhen2, Align GVGD, REVEL). Due to insufficient evidences and the lack of functional studies, the clinical significance of the p.Pro762Leu change remains unknown at this time.